The following is an entry in ClinVar:

ClinVar aggregate classification (germline): Pathogenic/Likely pathogenic. Review status: criteria provided, multiple submitters, no conflicts (2 of 4 stars). 2 submissions from 2 submitters: Pathogenic (1); Likely pathogenic (1). Last evaluated 2025-01-03.

Conditions:
DDC-related disorder. Also called: DDC-related condition.
Deficiency of aromatic-L-amino-acid decarboxylase. Also called: AADC DEFICIENCY; DDC DEFICIENCY; DOPA DECARBOXYLASE DEFICIENCY; Aromatic L-Amino Acid Decarboxylase Deficiency; Aromatic amino acid decarboxylase deficiency. Identifiers: Orphanet 35708, MedGen C1291564, MONDO:0012084, OMIM 608643.

Submissions (2):

PreventionGenetics, part of Exact Sciences
Classification: Likely pathogenic for DDC-related condition. Last evaluated: 2025-01-03. Review status: criteria provided, single submitter. Criteria: ACMG Guidelines, 2015. Collection method: clinical testing. Allele origin: germline.
Comment: The DDC c.436_437delGG variant is predicted to result in a frameshift and premature protein termination (p.Gly146Lysfs*4). In addition, this variant is located 2 base pairs from the splice acceptor site and is predicted to impact splicing based on available splicing prediction programs (SpliceAI, Jaganathan et al. 2019. PubMed ID: 30661751). However, the use of computer prediction software is not equivalent to functional evidence. To our knowledge, this variant has not been reported in the literature or a large population database (gnomAD), indicating this variant is rare. Both frameshift and splice variants in DDC are expected to be pathogenic. This variant is interpreted as likely pathogenic.

Labcorp Genetics (formerly Invitae), Labcorp
Classification: Pathogenic for Deficiency of aromatic-L-amino-acid decarboxylase. Last evaluated: 2022-09-30. Review status: criteria provided, single submitter. Criteria: Invitae Variant Classification Sherloc (09022015). Collection method: clinical testing. Allele origin: germline.
Comment: For these reasons, this variant has been classified as Pathogenic. Algorithms developed to predict the effect of sequence changes on RNA splicing suggest that this variant may disrupt the consensus splice site. This variant has not been reported in the literature in individuals affected with DDC-related conditions. This variant is not present in population databases (gnomAD no frequency). This sequence change creates a premature translational stop signal (p.Gly146Lysfs*4) in the DDC gene. It is expected to result in an absent or disrupted protein product. Loss-of-function variants in DDC are known to be pathogenic (PMID: 15079002, 24788355).

Literature cited by the submitters: PubMed 15079002 (cited by Labcorp Genetics (formerly Invitae), Labcorp); PubMed 24788355 (cited by Labcorp Genetics (formerly Invitae), Labcorp).

NM_000790.3(DDC):c.436_437delGG

Gene: DDC (dopa decarboxylase; minus strand). Cytogenetic location: 7p12.1.
Variant type: Deletion.
Coding change: c.436_437delGG on transcript NM_000790.3; coding-DNA positions 436 to 437, 2 bases deleted (GG).
Molecular consequence: intron variant (on NM_001242889.2).
Genome position (GRCh38, 1-based): chr7:50,529,341-50,529,342, CC deleted on the plus strand (GG on the coding strand, the reverse complement: DDC is on the minus strand); deleting any 2 consecutive bases within chr7:50,529,341-50,529,343 gives the same sequence; the c. name uses the placement nearest the transcript's 3' end. VCF-style (leftmost placement, unchanged base first): chr7-50529340-TCC-T. GRCh37 (hg19) VCF-style: chr7-50597038-TCC-T.
Other names: c.435+8518_435+8519del (NM_001242889.2).
Identifiers: ClinVar variation 2033490 (VCV002033490.5), dbSNP rs2535407087, ClinGen allele CA2578891622.